The following is an entry in ClinVar:

NM_000552.5(VWF):c.2146_2148del (p.Phe716del)

Gene: VWF (von Willebrand factor; minus strand). Cytogenetic location: 12p13.31.
Variant type: Deletion.
Coding change: c.2146_2148del on transcript NM_000552.5 (MANE Select); coding-DNA positions 2146 to 2148, 3 bases deleted (TTC; older notation c.2146_2148delTTC).
Protein change: p.Phe716del; deletes phenylalanine 716.
Molecular consequence: inframe deletion.
Genome position (GRCh38, 1-based): chr12:6,052,581-6,052,583, GAA deleted on the plus strand (TTC on the coding strand, the reverse complement: VWF is on the minus strand); deleting any 3 consecutive bases within chr12:6,052,581-6,052,585 gives the same sequence; the c. name uses the placement nearest the transcript's 3' end. VCF-style (leftmost placement, unchanged base first): chr12-6052580-GGAA-G. GRCh37 (hg19) VCF-style: chr12-6161746-GGAA-G.
Other names: short protein forms F716del.
Identifiers: ClinVar variation 5001997 (VCV005001997.1).
Genomic context (GRCh38, chr12:6,052,580, plus strand): 5'-CTGACACTGCTGCCTGCACTTACCACATGGTGTGATGGTCTGAGAAGATGTCTTCTGGCT[GGAA>G]GATCTCACCGTCATAGTAACAGGGGCACTGGGCCTTGGGCACGCAGTCCCCCCTCTCATC-3'

ClinVar aggregate classification (germline): Uncertain significance (1 of 4 stars; one submission).

Conditions:
VWF-related disorder. Also called: VWF-related disorders; VWF-related condition.

Submission:

PreventionGenetics, part of Exact Sciences
Classification: Uncertain significance for VWF-related condition. Last evaluated: 2025-04-17. Review status: criteria provided, single submitter. Criteria: ACMG Guidelines, 2015. Collection method: clinical testing. Allele origin: germline.
Comment: The VWF c.2146_2148delTTC variant is predicted to result in an in-frame deletion (p.Phe716del). To our knowledge, this variant has not been reported in the literature. This variant is reported in 0.12% of alleles in individuals of Latino descent in gnomAD. Although we suspect that this variant may be benign, at this time, the clinical significance of this variant is uncertain due to the absence of conclusive functional and genetic evidence.